The following is an entry in ClinVar:

NM_006648.4(WNK2):c.194C>T (p.Pro65Leu)

Gene: WNK2 (WNK lysine deficient protein kinase 2; plus strand). Cytogenetic location: 9q22.31.
Variant type: single nucleotide variant.
Coding change: c.194C>T on transcript NM_006648.4 (MANE Select); coding-DNA position 194, C replaced by T.
Protein change: p.Pro65Leu; replaces proline 65 with leucine.
Molecular consequence: missense variant.
Genome position (GRCh38, 1-based): chr9:93,185,123, C>T. VCF-style: chr9-93185123-C-T. GRCh37 (hg19) VCF-style: chr9-95947405-C-T.
Other names: c.194C>T, p.Pro65Leu (NM_001282394.3); short protein forms P65L.
Identifiers: ClinVar variation 3470674 (VCV003470674.1).

ClinVar aggregate classification (germline): Uncertain significance (1 of 4 stars; one submission).

gnomAD v4.1: 6 of 1,302,916 alleles (0.00046%); highest among the groups gnomAD compares: Non-Finnish European, 0.00059%; no homozygotes.

Submission:

Ambry Genetics
Classification: Uncertain significance. Last evaluated: 2024-12-08. Review status: criteria provided, single submitter. Criteria: Ambry Variant Classification Scheme 2023. Collection method: clinical testing. Allele origin: germline.
Comment: The p.P65L variant (also known as c.194C>T), located in coding exon 1 of the WNK2 gene, results from a C to T substitution at nucleotide position 194. The proline at codon 65 is replaced by leucine, an amino acid with similar properties. This amino acid position is conserved. In addition, this alteration is predicted to be tolerated by in silico analysis. Based on the available evidence, the clinical significance of this variant remains unclear.